The following is an entry in ClinVar:

ClinVar aggregate classification (germline): Likely benign (1 of 4 stars; one submission).

Allele frequency attached by ClinVar (database versions not stated): TOPMed below 0.00001.

Submission:

CeGaT Center for Human Genetics Tuebingen
Classification: Likely benign. Last evaluated: 2022-05-01. Review status: criteria provided, single submitter. Criteria: CeGaT Center For Human Genetics Tuebingen Variant Classification Criteria Version 2. Collection method: clinical testing. Allele origin: germline. Affected: yes. Observed: 1 variant allele.
Comment: EGR1: BP4, BP7

NM_001964.3(EGR1):c.1056C>T (p.Ser352=)

Gene: EGR1 (early growth response 1; plus strand). Cytogenetic location: 5q31.2.
Variant type: single nucleotide variant.
Coding change: c.1056C>T on transcript NM_001964.3 (MANE Select); coding-DNA position 1056, C replaced by T.
Protein change: p.Ser352=; no amino-acid change (serine 352 retained).
Molecular consequence: synonymous variant.
Genome position (GRCh38, 1-based): chr5:138,467,505, C>T. VCF-style: chr5-138467505-C-T. GRCh37 (hg19) VCF-style: chr5-137803194-C-T.
Identifiers: ClinVar variation 2655724 (VCV002655724.24), dbSNP rs868466315, ClinGen allele CA128181206.
Genomic context (GRCh38, chr5:138,467,505, plus strand): 5'-CCCCCACGAACGCCCTTACGCTTGCCCAGTGGAGTCCTGTGATCGCCGCTTCTCCCGCTC[C>T]GACGAGCTCACCCGCCACATCCGCATCCACACAGGCCAGAAGCCCTTCCAGTGCCGCATC-3'
Protein context (NP_001955.1, residues 342-362): VESCDRRFSR[Ser352=]DELTRHIRIH